The following is an entry in ClinVar:

NM_000540.3(RYR1):c.4917C>A (p.His1639Gln)

Gene: RYR1 (ryanodine receptor 1; plus strand). Cytogenetic location: 19q13.2.
Variant type: single nucleotide variant.
Coding change: c.4917C>A on transcript NM_000540.3 (MANE Select); coding-DNA position 4917, C replaced by A.
Protein change: p.His1639Gln; replaces histidine 1639 with glutamine.
Molecular consequence: missense variant.
Genome position (GRCh38, 1-based): chr19:38,483,499, C>A. VCF-style: chr19-38483499-C-A. GRCh37 (hg19) VCF-style: chr19-38974139-C-A.
Other names: c.4917C>A, p.His1639Gln (NM_001042723.2); short protein forms H1639Q.
Identifiers: ClinVar variation 4755966 (VCV004755966.1).

ClinVar aggregate classification (germline): Uncertain significance (1 of 4 stars; one submission).

Submission:

GeneDx
Classification: Uncertain significance. Last evaluated: 2025-08-06. Review status: criteria provided, single submitter. Criteria: GeneDx Variant Classification Process June 2021. Collection method: clinical testing. Allele origin: germline. Affected: yes.
Comment: Not observed at significant frequency in large population cohorts (gnomAD); In silico analysis supports that this missense variant has a deleterious effect on protein structure/function; Has not been previously published as pathogenic or benign to our knowledge